The following is an entry in ClinVar:

ClinVar aggregate classification (germline): Uncertain significance. Review status: criteria provided, multiple submitters, no conflicts (2 of 4 stars). 3 submissions from 3 submitters: Uncertain significance (3). Last evaluated 2025-04-12.

Conditions:
Cranioectodermal dysplasia 1 (CED1). Also called: LEVIN SYNDROME I. Identifiers: Orphanet 1515, MedGen C0432235, MONDO:0021093, OMIM 218330.
Connective tissue disorder. Also called: Connective tissue disease. Identifiers: MedGen C0009782, MONDO:0003900.
Inborn genetic diseases. Identifiers: MedGen C0950123, MeSH D030342.

Allele frequency attached by ClinVar (database versions not stated): gnomAD 0.00005 and 0.00006; TOPMed 0.00011; 1000 Genomes Project 30x 0.00016; 1000 Genomes Project 0.00020.
gnomAD v4.1: 35 of 1,614,232 alleles (0.0022%); highest among the groups gnomAD compares: African/African-American, 0.043%; no homozygotes.

Submissions (3):

Ambry Genetics
Classification: Uncertain significance for Inborn genetic diseases. Last evaluated: 2025-04-12. Review status: criteria provided, single submitter. Criteria: Ambry Variant Classification Scheme 2023. Collection method: clinical testing. Allele origin: germline.

Genome Diagnostics Laboratory, The Hospital for Sick Children
Classification: Uncertain significance for Connective tissue disorder. Last evaluated: 2022-04-22. Review status: criteria provided, single submitter. Criteria: ACMG Guidelines, 2015. Collection method: clinical testing. Allele origin: germline.

Labcorp Genetics (formerly Invitae), Labcorp
Classification: Uncertain significance for Cranioectodermal dysplasia 1. Last evaluated: 2022-04-04. Review status: criteria provided, single submitter. Criteria: Invitae Variant Classification Sherloc (09022015). Collection method: clinical testing. Allele origin: germline.
Comment: This sequence change replaces arginine, which is basic and polar, with serine, which is neutral and polar, at codon 1094 of the IFT122 protein (p.Arg1094Ser). The frequency data for this variant in the population databases is considered unreliable, as metrics indicate poor data quality at this position in the gnomAD database. This variant has not been reported in the literature in individuals affected with IFT122-related conditions. Algorithms developed to predict the effect of missense changes on protein structure and function (SIFT, PolyPhen-2, Align-GVGD) all suggest that this variant is likely to be disruptive. In summary, the available evidence is currently insufficient to determine the role of this variant in disease. Therefore, it has been classified as a Variant of Uncertain Significance.

NM_052989.3(IFT122):c.3127C>A (p.Arg1043Ser)

Gene: IFT122 (intraflagellar transport 122; plus strand). Cytogenetic location: 3q22.1.
Variant type: single nucleotide variant.
Coding change: c.3127C>A on transcript NM_052989.3 (MANE Select); coding-DNA position 3127, C replaced by A.
Protein change: p.Arg1043Ser; replaces arginine 1043 with serine.
Molecular consequence: missense variant.
Genome position (GRCh38, 1-based): chr3:129,514,528, C>A. VCF-style: chr3-129514528-C-A. GRCh37 (hg19) VCF-style: chr3-129233371-C-A.
Other names: c.3106C>A, p.Arg1036Ser (NM_001280541.2); c.2677C>A, p.Arg893Ser (NM_001280545.2); c.2500C>A, p.Arg834Ser (NM_001280546.2); c.2950C>A, p.Arg984Ser (NM_018262.4); c.3280C>A, p.Arg1094Ser (NM_052985.4); c.2797C>A, p.Arg933Ser (NM_052990.3); c.3280C>A (NM_052985.2); short protein forms R1036S, R1043S, R1094S, R834S, R893S, R933S, R984S.
Identifiers: ClinVar variation 1702444 (VCV001702444.6), dbSNP rs555281580, ClinGen allele CA2606785.
Genomic context (GRCh38, chr3:129,514,528, plus strand): 5'-CGTGGCCTGTACATCCCTGCCAGATTCCAAAAGTCCATTGAGCTGGGTACCCTGACCATC[C>A]GCGCCAAGCCCTTCCACGACAGTGAGGTGAGGATGCAGCACCCTTGGGCAGGTGGCTTCT-3'
Protein context (NP_443715.1, residues 1033-1053): KSIELGTLTI[Arg1043Ser]AKPFHDSEEL